The following is an entry in ClinVar:

NM_001099274.3(TINF2):c.606del (p.Glu202fs)

Gene: TINF2 (TERF1 interacting nuclear factor 2; minus strand). Cytogenetic location: 14q12.
Variant type: Deletion.
Coding change: c.606del on transcript NM_001099274.3 (MANE Select); coding-DNA position 606, one base deleted (G; older notation c.606delG).
Protein change: p.Glu202fs; shifts the reading frame from glutamic acid 202.
Molecular consequence: frameshift variant.
Genome position (GRCh38, 1-based): chr14:24,240,874, C deleted on the plus strand (G on the coding strand, the reverse complement: TINF2 is on the minus strand). VCF-style (leftmost placement, unchanged base first): chr14-24240873-AC-A. GRCh37 (hg19) VCF-style: chr14-24710079-AC-A.
Other names: c.501del, p.Glu167fs (NM_001363668.2); c.606del, p.Glu202fs (NM_012461.3); short protein forms E167fs, E202fs.
Identifiers: ClinVar variation 1461702 (VCV001461702.6), dbSNP rs2138999397, ClinGen allele CA2573149799.

ClinVar aggregate classification (germline): Uncertain significance (1 of 4 stars; one submission).

Conditions:
Dyskeratosis congenita. Identifiers: Orphanet 1775, MedGen C0265965, MONDO:0015780.

Submission:

Labcorp Genetics (formerly Invitae), Labcorp
Classification: Uncertain significance for Dyskeratosis congenita. Last evaluated: 2024-03-06. Review status: criteria provided, single submitter. Criteria: Invitae Variant Classification Sherloc (09022015). Collection method: clinical testing. Allele origin: germline.
Comment: This sequence change creates a premature translational stop signal (p.Glu202Aspfs*8) in the TINF2 gene. It is expected to result in an absent or disrupted protein product. However, the current clinical and genetic evidence is not sufficient to establish whether loss-of-function variants in TINF2 cause disease. This variant is not present in population databases (gnomAD no frequency). This variant has not been reported in the literature in individuals affected with TINF2-related conditions. ClinVar contains an entry for this variant (Variation ID: 1461702). In summary, the available evidence is currently insufficient to determine the role of this variant in disease. Therefore, it has been classified as a Variant of Uncertain Significance.